The following is an entry in ClinVar:

ClinVar aggregate classification (germline): Likely benign. Review status: criteria provided, multiple submitters, no conflicts (2 of 4 stars). 2 submissions from 2 submitters: Likely benign (2). Last evaluated 2026-08-26.

Conditions:
ASXL2-related disorder. Also called: ASXL2-related condition.

Allele frequency attached by ClinVar (database versions not stated): ExAC 0.00006; TOPMed 0.00007; gnomAD 0.00011; gnomAD exomes 0.00014; ESP Exome Variant Server 0.00016.
gnomAD v4.1: 221 of 1,614,026 alleles (0.014%); highest among the groups gnomAD compares: Non-Finnish European, 0.017%; 1 homozygote.

Submissions (2):

PreventionGenetics, part of Exact Sciences
Classification: Likely benign for ASXL2-related condition. Last evaluated: 2026-08-26. Review status: criteria provided, single submitter. Criteria: ACMG Guidelines, 2015. Collection method: clinical testing. Allele origin: germline.
Comment: This variant is classified as likely benign based on ACMG/AMP sequence variant interpretation guidelines (Richards et al. 2015 PMID: 25741868, with internal and published modifications).

Labcorp Genetics (formerly Invitae), Labcorp
Classification: Likely benign. Last evaluated: 2022-05-03. Review status: criteria provided, single submitter. Criteria: Invitae Variant Classification Sherloc (09022015). Collection method: clinical testing. Allele origin: germline.

NM_018263.6(ASXL2):c.4194G>A (p.Ser1398=)

Gene: ASXL2 (ASXL transcriptional regulator 2; minus strand). Cytogenetic location: 2p23.3.
Variant type: single nucleotide variant.
Coding change: c.4194G>A on transcript NM_018263.6 (MANE Select); coding-DNA position 4194, G replaced by A.
Protein change: p.Ser1398=; no amino-acid change (serine 1398 retained).
Molecular consequence: synonymous variant.
Genome position (GRCh38, 1-based): chr2:25,742,143, C>T on the plus strand (G>A on the coding strand, the complement: ASXL2 is on the minus strand). VCF-style: chr2-25742143-C-T. GRCh37 (hg19) VCF-style: chr2-25965012-C-T.
Other names: c.4194G>A (NM_018263.4); c.4020G>A, p.Ser1340= (NM_001369346.1); c.3414G>A, p.Ser1138= (NM_001369347.1).
Identifiers: ClinVar variation 1992033 (VCV001992033.5), dbSNP rs374945043, ClinGen allele CA1557338.